The following is an entry in ClinVar:

ClinVar aggregate classification (germline): Likely benign. Review status: criteria provided, single submitter (1 of 4 stars). 2 submissions from 2 submitters: Likely benign (1). 1 of the submissions does not count toward it. Last evaluated 2024-11-06.

Conditions:
KIRREL1-related disorder. Also called: KIRREL1-related condition.

Allele frequency attached by ClinVar (database versions not stated): 1000 Genomes Project 30x 0.00047; 1000 Genomes Project 0.00060; TOPMed 0.00095; gnomAD 0.00108; ESP Exome Variant Server 0.00123; gnomAD exomes 0.00131; ExAC 0.00192.
gnomAD v4.1: 2,074 of 1,614,210 alleles (0.13%); highest among the groups gnomAD compares: Non-Finnish European, 0.16%; 4 homozygotes.

Submissions (2):

Blueprint Genetics
Classification: Likely benign. Last evaluated: 2024-11-06. Review status: criteria provided, single submitter. Criteria: ACMG Guidelines, 2015. Collection method: clinical testing. Allele origin: germline.

PreventionGenetics, part of Exact Sciences
Classification: Likely benign for KIRREL1-related condition. Last evaluated: 2021-04-12. Review status: no assertion criteria provided. Collection method: clinical testing. Allele origin: germline. Not counted in ClinVar's aggregate classification.
Comment: This variant is classified as likely benign based on ACMG/AMP sequence variant interpretation guidelines (Richards et al. 2015 PMID: 25741868, with internal and published modifications).

NM_018240.7(KIRREL1):c.1434C>T (p.Phe478=)

Gene: KIRREL1 (kirre like nephrin family adhesion molecule 1; plus strand). Cytogenetic location: 1q23.1.
Variant type: single nucleotide variant.
Coding change: c.1434C>T on transcript NM_018240.7 (MANE Select); coding-DNA position 1434, C replaced by T.
Protein change: p.Phe478=; no amino-acid change (phenylalanine 478 retained).
Molecular consequence: synonymous variant.
Genome position (GRCh38, 1-based): chr1:158,091,519, C>T. VCF-style: chr1-158091519-C-T. GRCh37 (hg19) VCF-style: chr1-158061309-C-T.
Other names: c.1134C>T, p.Phe378= (NM_001286349.2).
Identifiers: ClinVar variation 3041741 (VCV003041741.3), dbSNP rs143492342, ClinGen allele CA1177661.